The following is an entry in ClinVar:

ClinVar aggregate classification (germline): Pathogenic (1 of 4 stars; one submission).

Conditions:
Juvenile nephropathic cystinosis. Also called: Intermediate Cystinosis; CYSTINOSIS, LATE-ONSET JUVENILE OR ADOLESCENT NEPHROPATHIC TYPE; Later-Onset (Juvenile) Cystinosis. Identifiers: Orphanet 213, Orphanet 411634, MedGen C0268626, MONDO:0009066, OMIM 219900.
Inborn genetic diseases. Identifiers: MedGen C0950123, MeSH D030342.
Ocular cystinosis. Also called: Non-Nephropathic Cystinosis; Non-Nephropathic (Ocular) Cystinosis. Identifiers: Orphanet 213, Orphanet 411641, MedGen C2931013, MONDO:0009064, OMIM 219750.

Submission:

Labcorp Genetics (formerly Invitae), Labcorp
Classification: Pathogenic for Inborn genetic diseases; Ocular cystinosis; Juvenile nephropathic cystinosis. Last evaluated: 2020-05-07. Review status: criteria provided, single submitter. Criteria: Invitae Variant Classification Sherloc (09022015). Collection method: clinical testing. Allele origin: germline.
Comment: This sequence change creates a premature translational stop signal (p.Val28Serfs*31) in the CTNS gene. It is expected to result in an absent or disrupted protein product. This variant is not present in population databases (ExAC no frequency). This variant has not been reported in the literature in individuals with CTNS-related conditions. Loss-of-function variants in CTNS are known to be pathogenic (PMID: 9537412, 27102039). For these reasons, this variant has been classified as Pathogenic.

Literature cited by the submitters: PubMed 9537412; PubMed 27102039.

NM_004937.3(CTNS):c.82_83del (p.Val28fs)

Gene: CTNS (cystinosin, lysosomal cystine transporter; plus strand). Cytogenetic location: 17p13.2.
Variant type: Deletion.
Coding change: c.82_83del on transcript NM_004937.3 (MANE Select); coding-DNA positions 82 to 83, 2 bases deleted (GT; older notation c.82_83delGT).
Protein change: p.Val28fs; shifts the reading frame from valine 28.
Molecular consequence: frameshift variant. On other transcripts: 5 prime UTR variant (3), intron variant (1).
Genome position (GRCh38, 1-based): chr17:3,647,464-3,647,465, GT deleted; deleting any 2 consecutive bases within chr17:3,647,463-3,647,465 gives the same sequence; the c. name uses the placement nearest the transcript's 3' end. VCF-style (leftmost placement, unchanged base first): chr17-3647462-CTG-C. GRCh37 (hg19) VCF-style: chr17-3550756-CTG-C.
Other names: c.82_83del, p.Val28fs (NM_001031681.3, NM_001374492.1); c.-275_-274del (NM_001374493.1, NM_001374496.1); c.-360_-359del (NM_001374494.1); c.-217+7197_-217+7198del (NM_001374495.1); short protein forms V28fs.
Identifiers: ClinVar variation 1069102 (VCV001069102.9), dbSNP rs2150904623, ClinGen allele CA2499224292.